The following is an entry in ClinVar:

NM_015465.5(GEMIN5):c.4229del (p.Ala1410fs)

Gene: GEMIN5 (gem nuclear organelle associated protein 5; minus strand). Cytogenetic location: 5q33.2.
Variant type: Deletion.
Coding change: c.4229del on transcript NM_015465.5 (MANE Select); coding-DNA position 4229, one base deleted (C; older notation c.4229delC).
Protein change: p.Ala1410fs; shifts the reading frame from alanine 1410.
Molecular consequence: frameshift variant.
Genome position (GRCh38, 1-based): chr5:154,891,274, G deleted on the plus strand (C on the coding strand, the reverse complement: GEMIN5 is on the minus strand). VCF-style (leftmost placement, unchanged base first): chr5-154891273-TG-T. GRCh37 (hg19) VCF-style: chr5-154270833-TG-T.
Other names: c.4226del, p.Ala1409fs (NM_001252156.2); short protein forms A1409fs, A1410fs.
Identifiers: ClinVar variation 5006861 (VCV005006861.2).

ClinVar aggregate classification (germline): Likely pathogenic (1 of 4 stars; one submission).

Conditions:
Neurodevelopmental disorder with cerebellar atrophy and motor dysfunction. Identifiers: MedGen C5543427, MONDO:0859152, OMIM 619333.

Submission:

Juno Genomics, Hangzhou Juno Genomics, Inc
Classification: Likely pathogenic for Neurodevelopmental disorder with cerebellar atrophy and motor dysfunction. Review status: criteria provided, single submitter. Criteria: ACMG Guidelines, 2015. Collection method: clinical testing. Allele origin: germline.
Comment: Null variant in a gene where loss of function (LOF) is a known mechanism of disease.;Absent from controls (or at extremely low frequency if recessive) in Genome Aggregation Database.